The following is an entry in ClinVar:

ClinVar aggregate classification (germline): Uncertain significance (1 of 4 stars; one submission).

Allele frequency attached by ClinVar (database versions not stated): gnomAD 0.00001; gnomAD exomes 0.00001; TOPMed 0.00001; ExAC 0.00002.
gnomAD v4.1: 17 of 1,611,312 alleles (0.0011%); highest among the groups gnomAD compares: South Asian, 0.0033%; no homozygotes.

Submission:

Labcorp Genetics (formerly Invitae), Labcorp
Classification: Uncertain significance. Last evaluated: 2022-08-06. Review status: criteria provided, single submitter. Criteria: Invitae Variant Classification Sherloc (09022015). Collection method: clinical testing. Allele origin: germline.
Comment: This sequence change replaces arginine, which is basic and polar, with tryptophan, which is neutral and slightly polar, at codon 1010 of the PCARE protein (p.Arg1010Trp). This variant is present in population databases (rs746136694, gnomAD 0.01%). In summary, the available evidence is currently insufficient to determine the role of this variant in disease. Therefore, it has been classified as a Variant of Uncertain Significance. Algorithms developed to predict the effect of missense changes on protein structure and function are either unavailable or do not agree on the potential impact of this missense change (SIFT: "Tolerated"; PolyPhen-2: "Possibly Damaging"; Align-GVGD: "Class C0"). This variant has not been reported in the literature in individuals affected with PCARE-related conditions.

NM_001029883.3(PCARE):c.3028C>T (p.Arg1010Trp)

Gene: PCARE (photoreceptor cilium actin regulator; minus strand). Cytogenetic location: 2p23.2.
Variant type: single nucleotide variant.
Coding change: c.3028C>T on transcript NM_001029883.3 (MANE Select); coding-DNA position 3028, C replaced by T.
Protein change: p.Arg1010Trp; replaces arginine 1010 with tryptophan.
Molecular consequence: missense variant.
Genome position (GRCh38, 1-based): chr2:29,071,234, G>A on the plus strand (C>T on the coding strand, the complement: PCARE is on the minus strand). VCF-style: chr2-29071234-G-A. GRCh37 (hg19) VCF-style: chr2-29294100-G-A.
Other names: short protein forms R1010W.
Identifiers: ClinVar variation 1953478 (VCV001953478.3), dbSNP rs746136694, ClinGen allele CA1592046.